The following is an entry in ClinVar:

ClinVar aggregate classification (germline): Uncertain significance (1 of 4 stars; one submission).

Submission:

Labcorp Genetics (formerly Invitae), Labcorp
Classification: Uncertain significance. Last evaluated: 2023-06-05. Review status: criteria provided, single submitter. Criteria: Invitae Variant Classification Sherloc (09022015). Collection method: clinical testing. Allele origin: germline.
Comment: In summary, the available evidence is currently insufficient to determine the role of this variant in disease. Therefore, it has been classified as a Variant of Uncertain Significance. An algorithm developed to predict the effect of missense changes on protein structure and function (PolyPhen-2) suggests that this variant is likely to be tolerated. This variant has not been reported in the literature in individuals affected with TRIM8-related conditions. This variant is not present in population databases (gnomAD no frequency). This sequence change replaces glutamic acid, which is acidic and polar, with lysine, which is basic and polar, at codon 231 of the TRIM8 protein (p.Glu231Lys).

NM_030912.3(TRIM8):c.691G>A (p.Glu231Lys)

Gene: TRIM8 (tripartite motif containing 8; plus strand). Cytogenetic location: 10q24.32.
Variant type: single nucleotide variant.
Coding change: c.691G>A on transcript NM_030912.3 (MANE Select); coding-DNA position 691, G replaced by A.
Protein change: p.Glu231Lys; replaces glutamic acid 231 with lysine.
Molecular consequence: missense variant. On other transcripts: non-coding transcript variant (1).
Genome position (GRCh38, 1-based): chr10:102,655,104, G>A. VCF-style: chr10-102655104-G-A. GRCh37 (hg19) VCF-style: chr10-104414861-G-A.
Other names: c.595G>A, p.Glu199Lys (NM_001345950.1); short protein forms E199K, E231K.
Identifiers: ClinVar variation 2871192 (VCV002871192.3), dbSNP rs2492909017, ClinGen allele CA377928877.